The following is an entry in ClinVar:

NM_002485.5(NBN):c.1423A>T (p.Met475Leu)

Gene: NBN (nibrin; minus strand). Cytogenetic location: 8q21.3.
Variant type: single nucleotide variant.
Coding change: c.1423A>T on transcript NM_002485.5 (MANE Select); coding-DNA position 1423, A replaced by T.
Protein change: p.Met475Leu; replaces methionine 475 with leucine.
Molecular consequence: missense variant.
Genome position (GRCh38, 1-based): chr8:89,953,666, T>A on the plus strand (A>T on the coding strand, the complement: NBN is on the minus strand). VCF-style: chr8-89953666-T-A. GRCh37 (hg19) VCF-style: chr8-90965894-T-A.
Other names: c.1177A>T, p.Met393Leu (NM_001024688.3); short protein forms M475L, M393L.
Identifiers: ClinVar variation 841566 (VCV000841566.9), dbSNP rs767106269, ClinGen allele CA371655881.
Genomic context (GRCh38, chr8:89,953,666, plus strand): 5'-GTTGTGTTTGTTCTAAAAGAGAACAAGACGTTTCTATTCTTGCTGATTTGCATGAAGACA[T>A]TTCTTGATTTTCTTCATCCCTTTCCCTTAGATTTAAAAAAAAAGAAGAAAACAAAACAAG-3'
Protein context (NP_002476.2, residues 465-485): KRERDEENQE[Met475Leu]SSCKSARIET

ClinVar aggregate classification (germline): Uncertain significance (1 of 4 stars; one submission).

Conditions:
Microcephaly, normal intelligence and immunodeficiency (NBS). Also called: Microcephaly with normal intelligence immunodeficiency and lymphoreticular malignancies; Nonsyndromal microcephaly autosomal recessive with normal intelligence; Seemanova syndrome 2; Immunodeficiency, microcephaly with normal intelligence; SEEMANOVA SYNDROME II; IMMUNODEFICIENCY, MICROCEPHALY, AND CHROMOSOMAL INSTABILITY. Identifiers: Orphanet 647, MedGen C0398791, MONDO:0009623, OMIM 251260.

Submission:

Labcorp Genetics (formerly Invitae), Labcorp
Classification: Uncertain significance for Microcephaly, normal intelligence and immunodeficiency. Last evaluated: 2019-02-17. Review status: criteria provided, single submitter. Criteria: Invitae Variant Classification Sherloc (09022015). Collection method: clinical testing. Allele origin: germline.
Comment: In summary, the available evidence is currently insufficient to determine the role of this variant in disease. Therefore, it has been classified as a Variant of Uncertain Significance. Algorithms developed to predict the effect of missense changes on protein structure and function (SIFT, PolyPhen-2, Align-GVGD) all suggest that this variant is likely to be tolerated, but these predictions have not been confirmed by published functional studies and their clinical significance is uncertain. This variant has not been reported in the literature in individuals with NBN-related conditions. This variant is not present in population databases (ExAC no frequency). This sequence change replaces methionine with leucine at codon 475 of the NBN protein (p.Met475Leu). The methionine residue is weakly conserved and there is a small physicochemical difference between methionine and leucine.